The following is an entry in ClinVar:

NM_000937.5(POLR2A):c.4842T>G (p.Ser1614=)

Gene: POLR2A (RNA polymerase II subunit A; plus strand). Cytogenetic location: 17p13.1.
Variant type: single nucleotide variant.
Coding change: c.4842T>G on transcript NM_000937.5 (MANE Select); coding-DNA position 4842, T replaced by G.
Protein change: p.Ser1614=; no amino-acid change (serine 1614 retained).
Molecular consequence: synonymous variant.
Genome position (GRCh38, 1-based): chr17:7,513,106, T>G. VCF-style: chr17-7513106-T-G. GRCh37 (hg19) VCF-style: chr17-7416425-T-G.
Identifiers: ClinVar variation 3388632 (VCV003388632.14).

ClinVar aggregate classification (germline): Likely benign (1 of 4 stars; one submission).

Submission:

CeGaT Center for Human Genetics Tuebingen
Classification: Likely benign. Last evaluated: 2024-09-01. Review status: criteria provided, single submitter. Criteria: CeGaT Center For Human Genetics Tuebingen Variant Classification Criteria Version 2. Collection method: clinical testing. Allele origin: germline. Affected: yes. Observed: 1 variant allele.
Comment: POLR2A: PM2:Supporting, BP4, BP7